The following is an entry in ClinVar:

ClinVar aggregate classification (germline): Pathogenic (1 of 4 stars; one submission).

Conditions:
Hereditary cancer-predisposing syndrome. Also called: Neoplastic Syndromes, Hereditary; Tumor predisposition; Hereditary Cancer Syndrome; Hereditary neoplastic syndrome. Identifiers: Orphanet 140162, MedGen C0027672, MeSH D009386, MONDO:0015356.

Submission:

Ambry Genetics
Classification: Pathogenic for Hereditary cancer-predisposing syndrome. Last evaluated: 2022-04-25. Review status: criteria provided, single submitter. Criteria: Ambry Variant Classification Scheme 2023. Collection method: clinical testing. Allele origin: germline.
Comment: The c.3276_3281delAGGATCinsGAAGCTCTAAGA pathogenic mutation (also known as p.G1093_S1094delinsKL*), located in coding exon 5 of the MSH6 gene, results from an in-frame deletion of AGGATC and insertion of GAAGCTCTAAGA at nucleotide positions 3276 to 3281. This results in the substitution of glycine and serine residues for lysine and leucine residues, respectively, at codons 1093 and 1094. This substitution is followed immediately by a premature stop codon at amino acid 1095. This alteration is expected to result in loss of function by premature protein truncation or nonsense-mediated mRNA decay. As such, this alteration is interpreted as a disease-causing mutation.

NM_000179.3(MSH6):c.3276_3281delinsGAAGCTCTAAGA (p.Gly1093_Ser1094delinsLysLeuTer)

Gene: MSH6 (mutS homolog 6; plus strand). Cytogenetic location: 2p16.3.
Variant type: Indel.
Coding change: c.3276_3281delinsGAAGCTCTAAGA on transcript NM_000179.3 (MANE Select); coding-DNA positions 3276 to 3281, AGGATC replaced by GAAGCTCTAAGA.
Protein change: p.Gly1093_Ser1094delinsLysLeuTer.
Molecular consequence: nonsense. On other transcripts: inframe indel (37).
Genome position (GRCh38, 1-based): chr2:47,803,523-47,803,528, AGGATC replaced by GAAGCTCTAAGA. VCF-style: chr2-47803523-AGGATC-GAAGCTCTAAGA. GRCh37 (hg19) VCF-style: chr2-48030662-AGGATC-GAAGCTCTAAGA.
Other names: c.2886_2891delinsGAAGCTCTAAGA, p.Gly963_Ser964delinsLysLeuTer (NM_001281492.2); c.2370_2375delinsGAAGCTCTAAGA, p.Gly791_Ser792delinsLysLeuTer (NM_001281493.2, NM_001281494.2); c.3372_3377delAGGATCinsGAAGCTCTAAGA, p.Gly1125_Glu1391delinsLys (NM_001406795.1); c.3276_3281delAGGATCinsGAAGCTCTAAGA, p.Gly1093_Glu1359delinsLys (NM_001406796.1, NM_001406809.1); c.2979_2984delAGGATCinsGAAGCTCTAAGA, p.Gly994_Glu1260delinsLys (NM_001406797.1, NM_001406805.1, NM_001406818.1 and 8 more transcripts); c.2751_2756delAGGATCinsGAAGCTCTAAGA, p.Gly918_Glu1184delinsLys (NM_001406799.1, NM_001406806.1, NM_001406807.1); c.3276_3281delAGGATCinsGAAGCTCTAAGA, p.Gly1093_Arg1321delinsLysLeu (NM_001406800.1); c.2979_2984delAGGATCinsGAAGCTCTAAGA, p.Gly994_Gly1238delinsLysLeu (NM_001406801.1, NM_001406822.1); and 11 more.
Identifiers: ClinVar variation 1729666 (VCV001729666.2), dbSNP rs2530765094, ClinGen allele CA2580067031.